The following is an entry in ClinVar:

ClinVar aggregate classification (germline): Uncertain significance (1 of 4 stars; one submission).

Conditions:
Acromesomelic dysplasia 1, Maroteaux type (AMD1). Also called: ST. HELENA DYSPLASIA; ACROMESOMELIC DYSPLASIA 1. Identifiers: Orphanet 40, MedGen C1864356, MONDO:0011275, OMIM 602875.
Tall stature-scoliosis-macrodactyly of the great toes syndrome. Also called: Epiphyseal chondrodysplasia, miura type. Identifiers: Orphanet 329191, MedGen C4014690, MONDO:0014401, OMIM 615923.

Allele frequency attached by ClinVar (database versions not stated): gnomAD exomes below 0.00001.
gnomAD v4.1: 1 of 1,614,026 alleles (0.000062%); highest among the groups gnomAD compares: Non-Finnish European, 0.000085%; no homozygotes.

Submission:

Labcorp Genetics (formerly Invitae), Labcorp
Classification: Uncertain significance for Tall stature-scoliosis-macrodactyly of the great toes syndrome; Acromesomelic dysplasia 1, Maroteaux type. Last evaluated: 2023-06-07. Review status: criteria provided, single submitter. Criteria: Invitae Variant Classification Sherloc (09022015). Collection method: clinical testing. Allele origin: germline.
Comment: This variant has not been reported in the literature in individuals affected with NPR2-related conditions. This variant is not present in population databases (gnomAD no frequency). This sequence change replaces methionine, which is neutral and non-polar, with isoleucine, which is neutral and non-polar, at codon 330 of the NPR2 protein (p.Met330Ile). An algorithm developed to predict the effect of missense changes on protein structure and function (PolyPhen-2) suggests that this variant is likely to be tolerated. In summary, the available evidence is currently insufficient to determine the role of this variant in disease. Therefore, it has been classified as a Variant of Uncertain Significance.

NM_003995.4(NPR2):c.990G>A (p.Met330Ile)

Gene: NPR2 (natriuretic peptide receptor 2; plus strand). Cytogenetic location: 9p13.3.
Variant type: single nucleotide variant.
Coding change: c.990G>A on transcript NM_003995.4 (MANE Select); coding-DNA position 990, G replaced by A.
Protein change: p.Met330Ile; replaces methionine 330 with isoleucine.
Molecular consequence: missense variant.
Genome position (GRCh38, 1-based): chr9:35,800,024, G>A. VCF-style: chr9-35800024-G-A. GRCh37 (hg19) VCF-style: chr9-35800021-G-A.
Other names: c.990G>A, p.Met330Ile (NM_001378923.1); short protein forms M330I.
Identifiers: ClinVar variation 2948035 (VCV002948035.3), dbSNP rs2491043633, ClinGen allele CA373369622.
Genomic context (GRCh38, chr9:35,800,024, plus strand): 5'-AGAGGGGAAGGGGCCTTGCAGGACATTTGGAGAGTACTGCTGAAGTTGCCACCCCCAGAT[G>A]AACCTCATCGCTGGCTGCTTCTATGATGGGATCCTGCTATATGCTGAAGTCCTGAATGAG-3'
Protein context (NP_003986.2, residues 320-340): DFGVELGPSL[Met330Ile]NLIAGCFYDG